The following is an entry in ClinVar:

ClinVar aggregate classification (germline): Uncertain significance (1 of 4 stars; one submission).

Submission:

Greenwood Genetic Center Diagnostic Laboratories, Greenwood Genetic Center
Classification: Uncertain significance. Last evaluated: 2022-08-16. Review status: criteria provided, single submitter. Criteria: ACMG Guidelines, 2015. Collection method: clinical testing. Allele origin: germline. Affected: yes.
Comment: PM2

NM_001614.5(ACTG1):c.58_62delinsAACCAA (p.Gly20fs)

Genes: ACTG1 (actin gamma 1; minus strand), LOC130061940 (ATAC-STARR-seq lymphoblastoid active region 12964; plus strand). Cytogenetic location: 17q25.3.
Variant type: Indel.
Coding change: c.58_62delinsAACCAA on transcript NM_001614.5 (MANE Select); coding-DNA positions 58 to 62, GGTTT replaced by AACCAA.
Protein change: p.Gly20fs; shifts the reading frame from glycine 20.
Molecular consequence: frameshift variant. On other transcripts: non-coding transcript variant (1).
Genome position (GRCh38, 1-based): chr17:81,512,293-81,512,297, AAACC replaced by TTGGTT on the plus strand (GGTTT replaced by AACCAA on the coding strand, the reverse complement: ACTG1 is on the minus strand). VCF-style: chr17-81512293-AAACC-TTGGTT. GRCh37 (hg19) VCF-style: chr17-79479319-AAACC-TTGGTT.
Other names: c.58_62delinsAACCAA, p.Gly20fs (NM_001199954.3); short protein forms G20fs.
Identifiers: ClinVar variation 1710351 (VCV001710351.3), dbSNP rs2544393123, ClinGen allele CA2580095641.